The following is an entry in ClinVar:

ClinVar aggregate classification (germline): Benign (1 of 4 stars; one submission).

Conditions:
Leigh syndrome (NULS). Also called: Leigh's necrotizing encephalopathy; Leigh's disease; Leigh's syndrome; LEIGH SYNDROME, NUCLEAR; Leigh Syndrome (mtDNA deletion); Leigh Disease. Identifiers: Orphanet 506, MedGen C2931891, MONDO:0009723, OMIM 256000.

Submission:

Wong Mito Lab, Molecular and Human Genetics, Baylor College of Medicine
Classification: Benign for Leigh syndrome. Last evaluated: 2019-10-17. Review status: criteria provided, single submitter. Criteria: Modified ACMG Guidelines (Unpublished). Collection method: clinical testing. Allele origin: germline.
Comment: The NC_012920.1:m.14978A>G (YP_003024038.1:p.Ile78Val) variant in MTCYB gene is interpretated to be a Benign variant based on the modified ACMG guidelines (unpublished). This variant meets the following evidence codes: BS1, BS2, BP4

NC_012920.1(MT-CYB):m.14978A>G

Gene: MT-CYB (mitochondrially encoded cytochrome b; plus strand).
Variant type: single nucleotide variant.
Genome position: chrM-14978-A-G.
Identifiers: ClinVar variation 693801 (VCV000693801.1), dbSNP rs199997767, ClinGen allele CA337100225.